The following is an entry in ClinVar:

ClinVar aggregate classification (germline): Likely benign. Review status: criteria provided, multiple submitters, no conflicts (2 of 4 stars). 2 submissions from 2 submitters: Likely benign (2). Last evaluated 2026-01-05.

Conditions:
ABCB4-related disorder. Also called: ABCB4-related disorders; ABCB4-related condition.

Allele frequency attached by ClinVar (database versions not stated): gnomAD 0.00002.
gnomAD v4.1: 10 of 1,612,816 alleles (0.00062%); highest among the groups gnomAD compares: Middle Eastern, 0.033%; no homozygotes.

Submissions (2):

Labcorp Genetics (formerly Invitae), Labcorp
Classification: Likely benign. Last evaluated: 2026-01-05. Review status: criteria provided, single submitter. Criteria: Invitae Variant Classification Sherloc (09022015). Collection method: clinical testing. Allele origin: germline.

PreventionGenetics, part of Exact Sciences
Classification: Likely benign for ABCB4-related condition. Last evaluated: 2025-07-10. Review status: criteria provided, single submitter. Criteria: ACMG Guidelines, 2015. Collection method: clinical testing. Allele origin: germline.
Comment: This variant is classified as likely benign based on ACMG/AMP sequence variant interpretation guidelines (Richards et al. 2015 PMID: 25741868, with internal and published modifications).

NM_000443.4(ABCB4):c.2226C>T (p.Gly742=)

Gene: ABCB4 (ATP binding cassette subfamily B member 4; minus strand). Cytogenetic location: 7q21.12.
Variant type: single nucleotide variant.
Coding change: c.2226C>T on transcript NM_000443.4 (MANE Select); coding-DNA position 2226, C replaced by T.
Protein change: p.Gly742=; no amino-acid change (glycine 742 retained).
Molecular consequence: synonymous variant.
Genome position (GRCh38, 1-based): chr7:87,422,211, G>A on the plus strand (C>T on the coding strand, the complement: ABCB4 is on the minus strand). VCF-style: chr7-87422211-G-A. GRCh37 (hg19) VCF-style: chr7-87051527-G-A.
Other names: c.2226C>T (NM_000443.3); c.2226C>T, p.Gly742= (NM_018849.3, NM_018850.3).
Identifiers: ClinVar variation 2956132 (VCV002956132.4), dbSNP rs773668999, ClinGen allele CA4327082.
Genomic context (GRCh38, chr7:87,422,211, plus strand): 5'-TCCCAGAAATAAGAAAATCAAAGAGAATATGTTGCACTTCTGCTGCTTCACTGCATCATC[G>A]CCTGGTCCAAAAATCTACAAAAGAATATTTAAAACGCCCACTTGGATTACATAACTGATC-3'
Protein context (NP_000434.1, residues 732-752): FSEIIAIFGP[Gly742=]DDAVKQQKCN